The following is an entry in ClinVar:

NM_006231.4(POLE):c.3219del (p.Gly1073_Leu1074insTer)

Gene: POLE (DNA polymerase epsilon, catalytic subunit; minus strand). Cytogenetic location: 12q24.33.
Variant type: Deletion.
Coding change: c.3219del on transcript NM_006231.4 (MANE Select); coding-DNA position 3219, one base deleted (G; older notation c.3219delG).
Protein change: p.Gly1073_Leu1074insTer.
Molecular consequence: frameshift variant.
Genome position (GRCh38, 1-based): chr12:132,659,351, C deleted on the plus strand (G on the coding strand, the reverse complement: POLE is on the minus strand); the first of 3 consecutive C bases (chr12:132,659,351-132,659,353); deleting any one gives the same sequence. VCF-style (leftmost placement, unchanged base first): chr12-132659350-GC-G. GRCh37 (hg19) VCF-style: chr12-133235936-GC-G.
Other names: c.3219delG (NM_006231.2).
Identifiers: ClinVar variation 1040745 (VCV001040745.7), dbSNP rs2042628623, ClinGen allele CA2072994588.
Genomic context (GRCh38, chr12:132,659,350, plus strand): 5'-CTCACCTCTCCGTGACAGGGGAGCCCTCGGGCTTGCGGGAGATGATGTAGCGGCAACTCA[GC>G]CCTGCATCCTTGACCATCTGGTCTCCCAGGAACTCGGCCAGGCGCTTTGCTGTGCTGATG-3'

ClinVar aggregate classification (germline): Conflicting classifications of pathogenicity. Review status: criteria provided, conflicting classifications (1 of 4 stars). 2 submissions from 2 submitters: Pathogenic (1); Uncertain significance (1). Last evaluated 2025-04-02.

Conditions:
Hereditary cancer-predisposing syndrome. Also called: Hereditary Cancer Syndrome; Tumor predisposition; Hereditary neoplastic syndrome; Neoplastic Syndromes, Hereditary. Identifiers: Orphanet 140162, MedGen C0027672, MeSH D009386, MONDO:0015356.

Submissions (2):

Ambry Genetics
Classification: Uncertain significance for Hereditary cancer-predisposing syndrome. Last evaluated: 2025-04-02. Review status: criteria provided, single submitter. Criteria: Ambry Variant Classification Scheme 2023. Collection method: clinical testing. Allele origin: germline.
Comment: The c.3219delG variant, located in coding exon 26 of the POLE gene, results from a deletion of one nucleotide at nucleotide position 3219, causing a translational frameshift with a predicted alternate stop codon (p.L1074*). This alteration is expected to result in loss of function by premature protein truncation or nonsense-mediated mRNA decay. Although biallelic loss of function of POLE has been associated with autosomal recessive POLE deficiency, haploinsufficiency of POLE has not been established as a mechanism of disease for POLE-related polymerase proofreading-associated polyposis (PPAP) and POLE-related CMMRD-like syndrome. Based on the supporting evidence, this variant is expected to be causative of POLE deficiency when present along with a second pathogenic variant on the other allele; however, its clinical significance for PPAP and POLE-related CMMRD-like syndrome is unclear.

Labcorp Genetics (formerly Invitae), Labcorp
Classification: Pathogenic. Last evaluated: 2024-03-02. Review status: criteria provided, single submitter. Criteria: Invitae Variant Classification Sherloc (09022015). Collection method: clinical testing. Allele origin: germline.
Comment: This sequence change creates a premature translational stop signal (p.Leu1074*) in the POLE gene. It is expected to result in an absent or disrupted protein product. Loss-of-function variants in POLE are known to be pathogenic (PMID: 23230001, 25948378, 30503519). This variant is not present in population databases (gnomAD no frequency). This variant has not been reported in the literature in individuals affected with POLE-related conditions. ClinVar contains an entry for this variant (Variation ID: 1040745). For these reasons, this variant has been classified as Pathogenic.

Literature cited by the submitters: PubMed 23230001 (cited by Labcorp Genetics (formerly Invitae), Labcorp); PubMed 25948378 (cited by Labcorp Genetics (formerly Invitae), Labcorp); PubMed 30503519 (cited by Labcorp Genetics (formerly Invitae), Labcorp).